The following is an entry in ClinVar:

NM_003907.3(EIF2B5):c.133G>A (p.Ala45Thr)

Genes: EIF2B5 (eukaryotic translation initiation factor 2B subunit epsilon; plus strand), LOC129938041 (ATAC-STARR-seq lymphoblastoid silent region 14954; plus strand). Cytogenetic location: 3q27.1.
Variant type: single nucleotide variant.
Coding change: c.133G>A on transcript NM_003907.3 (MANE Select); coding-DNA position 133, G replaced by A.
Protein change: p.Ala45Thr; replaces alanine 45 with threonine.
Molecular consequence: missense variant.
Genome position (GRCh38, 1-based): chr3:184,135,518, G>A. VCF-style: chr3-184135518-G-A. GRCh37 (hg19) VCF-style: chr3-183853306-G-A.
Other names: short protein forms A45T.
Identifiers: ClinVar variation 2001691 (VCV002001691.1), dbSNP rs2473657621, ClinGen allele CA355381288.

ClinVar aggregate classification (germline): Uncertain significance (1 of 4 stars; one submission).

Submission:

Labcorp Genetics (formerly Invitae), Labcorp
Classification: Uncertain significance. Last evaluated: 2022-07-18. Review status: criteria provided, single submitter. Criteria: Invitae Variant Classification Sherloc (09022015). Collection method: clinical testing. Allele origin: germline.
Comment: This sequence change replaces alanine, which is neutral and non-polar, with threonine, which is neutral and polar, at codon 45 of the EIF2B5 protein (p.Ala45Thr). This variant is not present in population databases (gnomAD no frequency). This variant has not been reported in the literature in individuals affected with EIF2B5-related conditions. Advanced modeling of protein sequence and biophysical properties (such as structural, functional, and spatial information, amino acid conservation, physicochemical variation, residue mobility, and thermodynamic stability) performed at Invitae indicates that this missense variant is expected to disrupt EIF2B5 protein function. In summary, the available evidence is currently insufficient to determine the role of this variant in disease. Therefore, it has been classified as a Variant of Uncertain Significance.